The following is an entry in ClinVar:

NM_001366722.1(GRIP1):c.1559_1566dup (p.Arg523fs)

Gene: GRIP1 (glutamate receptor interacting protein 1; minus strand). Cytogenetic location: 12q14.3.
Variant type: Duplication.
Coding change: c.1559_1566dup on transcript NM_001366722.1 (MANE Select); coding-DNA positions 1559 to 1566, 8 bases duplicated (TTGGAGAC; older notation c.1559_1566dupTTGGAGAC).
Protein change: p.Arg523fs; shifts the reading frame from arginine 523.
Molecular consequence: frameshift variant.
Genome position (GRCh38, 1-based): chr12:66,444,705-66,444,712, GTCTCCAA duplicated on the plus strand (TTGGAGAC on the coding strand, the reverse complement: GRIP1 is on the minus strand). VCF-style (leftmost placement, unchanged base first): chr12-66444704-T-TGTCTCCAA. GRCh37 (hg19) VCF-style: chr12-66838484-T-TGTCTCCAA.
Other names: c.1637_1644dup, p.Arg549fs (NM_001379345.1); c.1559_1566dup, p.Arg523fs (NM_001379346.1); c.1481_1488dup, p.Arg497fs (NM_001379347.1, NM_001366724.1); c.1478_1485dup, p.Arg496fs (NM_001379348.1, NM_001366723.1); c.1406_1413dup, p.Arg472fs (NM_001379349.1); c.1403_1410dup, p.Arg471fs (NM_001379351.1, NM_021150.4, NM_001178074.2); short protein forms R471fs, R496fs, R497fs, R472fs, R523fs, R549fs.
Identifiers: ClinVar variation 2696242 (VCV002696242.3), dbSNP rs2500674714, ClinGen allele CA2697559399.

ClinVar aggregate classification (germline): Pathogenic (1 of 4 stars; one submission).

Submission:

Labcorp Genetics (formerly Invitae), Labcorp
Classification: Pathogenic. Last evaluated: 2023-11-15. Review status: criteria provided, single submitter. Criteria: Invitae Variant Classification Sherloc (09022015). Collection method: clinical testing. Allele origin: germline.
Comment: This sequence change creates a premature translational stop signal (p.Arg471Leufs*5) in the GRIP1 gene. It is expected to result in an absent or disrupted protein product. Loss-of-function variants in GRIP1 are known to be pathogenic (PMID: 22510445, 24357607). This variant is not present in population databases (gnomAD no frequency). This variant has not been reported in the literature in individuals affected with GRIP1-related conditions. For these reasons, this variant has been classified as Pathogenic.

Literature cited by the submitters: PubMed 22510445; PubMed 24357607.